The following is an entry in ClinVar:

NM_001146.5(ANGPT1):c.632C>T (p.Thr211Ile)

Gene: ANGPT1 (angiopoietin 1; minus strand). Cytogenetic location: 8q23.1.
Variant type: single nucleotide variant.
Coding change: c.632C>T on transcript NM_001146.5 (MANE Select); coding-DNA position 632, C replaced by T.
Protein change: p.Thr211Ile; replaces threonine 211 with isoleucine.
Molecular consequence: missense variant.
Genome position (GRCh38, 1-based): chr8:107,322,072, G>A on the plus strand (C>T on the coding strand, the complement: ANGPT1 is on the minus strand). VCF-style: chr8-107322072-G-A. GRCh37 (hg19) VCF-style: chr8-108334300-G-A.
Other names: c.632C>T, p.Thr211Ile (NM_001199859.3); c.32C>T, p.Thr11Ile (NM_001314051.2); short protein forms T11I, T211I.
Identifiers: ClinVar variation 3612013 (VCV003612013.2).

ClinVar aggregate classification (germline): Uncertain significance (1 of 4 stars; one submission).

gnomAD v4.1: 2 of 1,613,742 alleles (0.00012%); highest among the groups gnomAD compares: Non-Finnish European, 0.00017%; no homozygotes.

Submission:

Labcorp Genetics (formerly Invitae), Labcorp
Classification: Uncertain significance. Last evaluated: 2025-12-16. Review status: criteria provided, single submitter. Criteria: Invitae Variant Classification Sherloc (09022015). Collection method: clinical testing. Allele origin: germline.
Comment: This sequence change replaces threonine, which is neutral and polar, with isoleucine, which is neutral and non-polar, at codon 211 of the ANGPT1 protein (p.Thr211Ile). This variant is not present in population databases (gnomAD no frequency). This variant has not been reported in the literature in individuals affected with ANGPT1-related conditions. ClinVar contains an entry for this variant (Variation ID: 3612013). An algorithm developed to predict the effect of missense changes on protein structure and function (PolyPhen-2) suggests that this variant is likely to be disruptive. In summary, the available evidence is currently insufficient to determine the role of this variant in disease. Therefore, it has been classified as a Variant of Uncertain Significance.